The following is an entry in ClinVar:

NM_015466.4(PTPN23):c.4678GAG[1] (p.Glu1561del)

Gene: PTPN23 (protein tyrosine phosphatase non-receptor type 23; plus strand). Cytogenetic location: 3p21.31.
Variant type: Microsatellite.
Coding change: c.4678GAG[1] on transcript NM_015466.4 (MANE Select); one copy of the 3-base unit GAG starting at c.4678; the reference has two copies in a row; one copy, 3 bases deleted.
Protein change: p.Glu1561del; deletes glutamic acid 1561.
Molecular consequence: inframe deletion.
Genome position (GRCh38, 1-based): chr3:47,412,955-47,412,957, GAG deleted; deleting any 3 consecutive bases within chr3:47,412,950-47,412,957 gives the same sequence; the position shown is the placement nearest the transcript's 3' end. VCF-style (leftmost placement, unchanged base first): chr3-47412949-AAGG-A. GRCh37 (hg19) VCF-style: chr3-47454439-AAGG-A.
Other names: c.4300GAG[1], p.Glu1435del (NM_001304482.2); short protein forms E1435del, E1561del.
Identifiers: ClinVar variation 2107960 (VCV002107960.4), dbSNP rs1705363085, ClinGen allele CA1047571471.

ClinVar aggregate classification (germline): Uncertain significance (1 of 4 stars; one submission).

Submission:

Labcorp Genetics (formerly Invitae), Labcorp
Classification: Uncertain significance. Last evaluated: 2022-06-05. Review status: criteria provided, single submitter. Criteria: Invitae Variant Classification Sherloc (09022015). Collection method: clinical testing. Allele origin: germline.
Comment: This variant, c.4681_4683del, results in the deletion of 1 amino acid(s) of the PTPN23 protein (p.Glu1561del), but otherwise preserves the integrity of the reading frame. This variant is not present in population databases (gnomAD no frequency). This variant has not been reported in the literature in individuals affected with PTPN23-related conditions. Experimental studies and prediction algorithms are not available or were not evaluated, and the functional significance of this variant is currently unknown. In summary, the available evidence is currently insufficient to determine the role of this variant in disease. Therefore, it has been classified as a Variant of Uncertain Significance.